The following is an entry in ClinVar:

NM_020822.3(KCNT1):c.734C>T (p.Ala245Val)

Gene: KCNT1 (potassium sodium-activated channel subfamily T member 1; plus strand). Cytogenetic location: 9q34.3.
Variant type: single nucleotide variant.
Coding change: c.734C>T on transcript NM_020822.3 (MANE Select); coding-DNA position 734, C replaced by T.
Protein change: p.Ala245Val; replaces alanine 245 with valine.
Molecular consequence: missense variant.
Genome position (GRCh38, 1-based): chr9:135,757,356, C>T. VCF-style: chr9-135757356-C-T. GRCh37 (hg19) VCF-style: chr9-138649202-C-T.
Other names: c.590C>T, p.Ala197Val (NM_001272003.2); short protein forms A197V, A245V.
Identifiers: ClinVar variation 3755786 (VCV003755786.2).
Genomic context (GRCh38, chr9:135,757,356, plus strand): 5'-AGATCTTCTGGCCGCCGCTGCGGAACCTGTTCATCCCCGTCTTTCTGAACTGCTGGCTGG[C>T]CAAGCACGCGCTGGAAAACATGATTGTAAGCCGGGGCGGGGGGTGCAGCTGGGACTTGGG-3'
Protein context (NP_065873.2, residues 235-255): FIPVFLNCWL[Ala245Val]KHALENMIND

ClinVar aggregate classification (germline): Uncertain significance (1 of 4 stars; one submission).

Conditions:
Autosomal dominant nocturnal frontal lobe epilepsy 5. Also called: KCNT1-Related Epilepsy; CILIARY DYSKINESIA, PRIMARY, 28, WITHOUT SITUS INVERSUS; CILIARY DYSKINESIA, PRIMARY, 28, WITH SITUS INVERSUS; Epilepsy, nocturnal frontal lobe, 5. Identifiers: Orphanet 98784, MedGen C3554306, MONDO:0014002, OMIM 615005.
Developmental and epileptic encephalopathy, 14 (DEE14). Also called: Early infantile epileptic encephalopathy 14. Identifiers: Orphanet 293181, MedGen C3554195, MONDO:0013989, OMIM 614959.

gnomAD v4.1: 1 of 1,610,212 alleles (0.000062%); highest among the groups gnomAD compares: Non-Finnish European, 0.000085%; no homozygotes.

Submission:

Labcorp Genetics (formerly Invitae), Labcorp
Classification: Uncertain significance for Autosomal dominant nocturnal frontal lobe epilepsy 5; Developmental and epileptic encephalopathy, 14. Last evaluated: 2024-04-10. Review status: criteria provided, single submitter. Criteria: Invitae Variant Classification Sherloc (09022015). Collection method: clinical testing. Allele origin: germline.
Comment: This sequence change replaces alanine, which is neutral and non-polar, with valine, which is neutral and non-polar, at codon 245 of the KCNT1 protein (p.Ala245Val). This variant is present in population databases (no rsID available, gnomAD 0.002%). This variant has not been reported in the literature in individuals affected with KCNT1-related conditions. Advanced modeling of protein sequence and biophysical properties (such as structural, functional, and spatial information, amino acid conservation, physicochemical variation, residue mobility, and thermodynamic stability) has been performed at Invitae for this missense variant, however the output from this modeling did not meet the statistical confidence thresholds required to predict the impact of this variant on KCNT1 protein function. In summary, the available evidence is currently insufficient to determine the role of this variant in disease. Therefore, it has been classified as a Variant of Uncertain Significance.